The following is an entry in ClinVar:

NM_006904.7(PRKDC):c.4937T>C (p.Leu1646Pro)

Gene: PRKDC (protein kinase, DNA-activated, catalytic subunit; minus strand). Cytogenetic location: 8q11.21.
Variant type: single nucleotide variant.
Coding change: c.4937T>C on transcript NM_006904.7 (MANE Select); coding-DNA position 4937, T replaced by C.
Protein change: p.Leu1646Pro; replaces leucine 1646 with proline.
Molecular consequence: missense variant.
Genome position (GRCh38, 1-based): chr8:47,881,937, A>G on the plus strand (T>C on the coding strand, the complement: PRKDC is on the minus strand). VCF-style: chr8-47881937-A-G. GRCh37 (hg19) VCF-style: chr8-48794498-A-G.
Other names: c.4937T>C, p.Leu1646Pro (NM_001081640.2); short protein forms L1646P.
Identifiers: ClinVar variation 2071968 (VCV002071968.4), dbSNP rs2551872681, ClinGen allele CA371141499.

ClinVar aggregate classification (germline): Uncertain significance (1 of 4 stars; one submission).

Conditions:
Severe combined immunodeficiency due to DNA-PKcs deficiency. Also called: IMMUNODEFICIENCY 26 WITH NEUROLOGIC ABNORMALITIES; Immunodeficiency 26 with or without neurologic abnormalities. Identifiers: Orphanet 317425, MedGen C4014833, MONDO:0014423, OMIM 615966.

Allele frequency attached by ClinVar (database versions not stated): gnomAD exomes below 0.00001.
gnomAD v4.1: 2 of 1,613,292 alleles (0.00012%); highest among the groups gnomAD compares: African/African-American, 0.0013%; no homozygotes.

Submission:

Labcorp Genetics (formerly Invitae), Labcorp
Classification: Uncertain significance for Severe combined immunodeficiency due to DNA-PKcs deficiency. Last evaluated: 2022-03-22. Review status: criteria provided, single submitter. Criteria: Invitae Variant Classification Sherloc (09022015). Collection method: clinical testing. Allele origin: germline.
Comment: In summary, the available evidence is currently insufficient to determine the role of this variant in disease. Therefore, it has been classified as a Variant of Uncertain Significance. This sequence change replaces leucine, which is neutral and non-polar, with proline, which is neutral and non-polar, at codon 1646 of the PRKDC protein (p.Leu1646Pro). This variant is not present in population databases (gnomAD no frequency). This variant has not been reported in the literature in individuals affected with PRKDC-related conditions. Experimental studies and prediction algorithms are not available or were not evaluated, and the functional significance of this variant is currently unknown.